The following is an entry in ClinVar:

NC_000004.11:g.(?_186387458)_(186429460_?)del

Genes: CCDC110 (coiled-coil domain containing 110; minus strand), PDLIM3 (PDZ and LIM domain 3; minus strand). Cytogenetic location: 4q35.1.
Variant type: Deletion.
Identifiers: ClinVar variation 3246580 (VCV003246580.1).

ClinVar aggregate classification (germline): Uncertain significance (1 of 4 stars; one submission).

Conditions:
Primary dilated cardiomyopathy (DCM). Also called: Dilated Cardiomyopathy. Identifiers: Orphanet 217604, MedGen C0007193, MeSH D002311, MONDO:0005021, HP:0001644. Inheritance: Various modes of inheritance.
Hypertrophic cardiomyopathy. Also called: HYPERTROPHIC MYOCARDIOPATHY. Identifiers: Orphanet 217569, MedGen C0007194, MeSH D002312, MONDO:0005045, HP:0001639.

Submission:

Labcorp Genetics (formerly Invitae), Labcorp
Classification: Uncertain significance for Hypertrophic cardiomyopathy; Primary dilated cardiomyopathy. Last evaluated: 2020-04-13. Review status: criteria provided, single submitter. Criteria: Invitae Variant Classification Sherloc (09022015). Collection method: clinical testing. Allele origin: unknown.
Comment: In summary, the available evidence is currently insufficient to determine the role of this variant in disease. Therefore, it has been classified as a Variant of Uncertain Significance. Experimental studies and prediction algorithms are not available or were not evaluated, and the functional significance of this variant is currently unknown. This variant has not been reported in the literature in individuals with PDLIM3-related conditions. This variant is a gross deletion of the genomic region encompassing exon(s) 6-8 and part of exon 5 (c.655_*35991del) of the PDLIM3 gene. While this deletion is not anticipated to result in nonsense mediated decay, it is expected to create a truncated protein product or disrupt mRNA translation.